The following is an entry in ClinVar:

NM_198506.5(LRIT3):c.135_136delinsTT (p.Met46Leu)

Gene: LRIT3 (leucine rich repeat, Ig-like and transmembrane domains 3; plus strand). Cytogenetic location: 4q25.
Variant type: Indel.
Coding change: c.135_136delinsTT on transcript NM_198506.5 (MANE Select); coding-DNA positions 135 to 136, CA replaced by TT.
Protein change: p.Met46Leu; replaces methionine 46 with leucine.
Molecular consequence: missense variant.
Genome position (GRCh38, 1-based): chr4:109,851,522-109,851,523, CA replaced by TT. VCF-style: chr4-109851522-CA-TT. GRCh37 (hg19) VCF-style: chr4-110772678-CA-TT.
Other names: short protein forms M46L.
Identifiers: ClinVar variation 1036614 (VCV001036614.3), dbSNP rs1734266490, ClinGen allele CA1484764630.

ClinVar aggregate classification (germline): Uncertain significance (1 of 4 stars; one submission).

Submission:

Labcorp Genetics (formerly Invitae), Labcorp
Classification: Uncertain significance. Last evaluated: 2025-01-28. Review status: criteria provided, single submitter. Criteria: Invitae Variant Classification Sherloc (09022015). Collection method: clinical testing. Allele origin: germline.
Comment: This sequence change replaces methionine, which is neutral and non-polar, with leucine, which is neutral and non-polar, at codon 46 of the LRIT3 protein (p.Met46Leu). Information on the frequency of this variant in the gnomAD database is not available, as this variant may be reported differently in the database. This variant has not been reported in the literature in individuals affected with LRIT3-related conditions. ClinVar contains an entry for this variant (Variation ID: 1036614). Experimental studies and prediction algorithms are not available or were not evaluated, and the functional significance of this variant is currently unknown. In summary, the available evidence is currently insufficient to determine the role of this variant in disease. Therefore, it has been classified as a Variant of Uncertain Significance.